The following is an entry in ClinVar:

ClinVar aggregate classification (germline): Pathogenic/Pathogenic, low penetrance. Review status: criteria provided, multiple submitters, no conflicts (2 of 4 stars). 2 submissions from 2 submitters: Pathogenic (1); Pathogenic, low penetrance (1). Last evaluated 2025-09-26.

Conditions:
Atypical hemolytic-uremic syndrome with I factor anomaly. Also called: HEMOLYTIC UREMIC SYNDROME, ATYPICAL, SUSCEPTIBILITY TO, 3; AHUS, SUSCEPTIBILITY TO, 3. Identifiers: Orphanet 2134, MedGen C2752039, MONDO:0013041, OMIM 612923.
Age related macular degeneration 13. Identifiers: MedGen C3809523, MONDO:0014189, OMIM 615439.
Factor I deficiency (CFID). Also called: Complement factor I deficiency. Identifiers: Orphanet 200418, MedGen C3463916, MONDO:0012594, OMIM 610984.
CFI-related disorder. Also called: CFI-related condition; CFI-related disorders. Identifiers: MedGen CN239325.

gnomAD v4.1: 2 of 1,614,132 alleles (0.00012%); highest among the groups gnomAD compares: Non-Finnish European, 0.00017%; no homozygotes.

Submissions (2):

Genomenon, Inc
Classification: Pathogenic, low penetrance for CFI-related disorder. Last evaluated: 2025-09-26. Review status: criteria provided, single submitter. Criteria: Genomenon Sequence Variant Interpretation Standards - Updated. Collection method: curation. Allele origin: germline. Affected: yes.
Comment: CFI p.Cys43Ter (c.129C>A) is a nonsense variant that introduces a premature stop codon at amino acid position 43, creating a truncated protein that is predicted to undergo nonsense-mediated mRNA decay. This variant has been observed in at least one proband affected with complement factor I deficiency (PMID:31231365). It is absent or not present at a significant frequency in gnomAD. In conclusion, we classify CFI p.Cys43Ter (c.129C>A) as a pathogenic, low penetrance variant.

Juno Genomics, Hangzhou Juno Genomics, Inc
Classification: Pathogenic for Atypical hemolytic-uremic syndrome with I factor anomaly; Age related macular degeneration 13; Factor I deficiency. Review status: criteria provided, single submitter. Criteria: ACMG Guidelines, 2015. Collection method: clinical testing. Allele origin: germline.
Comment: Absent from controls (or at extremely low frequency if recessive) in Genome Aggregation Database.;Null variant in a gene where loss of function (LOF) is a known mechanism of disease.;For recessive disorders, detected in trans with a pathogenic variant.

Literature cited by the submitters: PubMed 31231365 (cited by Genomenon, Inc).

NM_000204.5(CFI):c.129C>A (p.Cys43Ter)

Gene: CFI (complement factor I; minus strand). Cytogenetic location: 4q25.
Variant type: single nucleotide variant.
Coding change: c.129C>A on transcript NM_000204.5 (MANE Select); coding-DNA position 129, C replaced by A.
Protein change: p.Cys43Ter; replaces cysteine 43 with a stop codon.
Molecular consequence: nonsense. On other transcripts: non-coding transcript variant (3), intron variant (1).
Genome position (GRCh38, 1-based): chr4:109,766,753, G>T on the plus strand (C>A on the coding strand, the complement: CFI is on the minus strand). VCF-style: chr4-109766753-G-T. GRCh37 (hg19) VCF-style: chr4-110687909-G-T.
Other names: c.129C>A, p.Cys43Ter (NM_001318057.2, NM_001331035.2, NM_001375278.1 and 10 more transcripts); c.-127-5061C>A (NM_001375284.1); short protein forms C43*.
Identifiers: ClinVar variation 4280472 (VCV004280472.3).